The following is an entry in ClinVar:

ClinVar aggregate classification (germline): Conflicting classifications of pathogenicity. Review status: criteria provided, conflicting classifications (1 of 4 stars). 2 submissions from 2 submitters: Uncertain significance (1); Likely benign (1). Last evaluated 2023-12-07.

Conditions:
Inborn genetic diseases. Identifiers: MedGen C0950123, MeSH D030342.

Allele frequency attached by ClinVar (database versions not stated): gnomAD exomes below 0.00001; gnomAD 0.00001.
gnomAD v4.1: 2 of 1,604,924 alleles (0.00012%); highest among the groups gnomAD compares: Admixed American, 0.0017%; no homozygotes.

Submissions (2):

Labcorp Genetics (formerly Invitae), Labcorp
Classification: Likely benign. Last evaluated: 2023-12-07. Review status: criteria provided, single submitter. Criteria: Invitae Variant Classification Sherloc (09022015). Collection method: clinical testing. Allele origin: germline.

Ambry Genetics
Classification: Uncertain significance for Inborn genetic diseases. Last evaluated: 2020-10-22. Review status: criteria provided, single submitter. Criteria: Ambry Variant Classification Scheme 2023. Collection method: clinical testing. Allele origin: germline.
Comment: The c.971T>C (p.V324A) alteration is located in exon 4 (coding exon 3) of the ZBTB20 gene. This alteration results from a T to C substitution at nucleotide position 971, causing the valine (V) at amino acid position 324 to be replaced by an alanine (A). Based on data from the Genome Aggregation Database (gnomAD), the ZBTB20 c.971T>C alteration was not observed, with coverage at this position. This amino acid position is well conserved in available vertebrate species. The p.V324A alteration is predicted to be tolerated by in silico analysis. Based on insufficient or conflicting evidence, the clinical significance of this alteration remains unclear.

NM_001348800.3(ZBTB20):c.971T>C (p.Val324Ala)

Gene: ZBTB20 (zinc finger and BTB domain containing 20; minus strand). Cytogenetic location: 3q13.31.
Variant type: single nucleotide variant.
Coding change: c.971T>C on transcript NM_001348800.3 (MANE Select); coding-DNA position 971, T replaced by C.
Protein change: p.Val324Ala; replaces valine 324 with alanine.
Molecular consequence: missense variant.
Genome position (GRCh38, 1-based): chr3:114,351,107, A>G on the plus strand (T>C on the coding strand, the complement: ZBTB20 is on the minus strand). VCF-style: chr3-114351107-A-G. GRCh37 (hg19) VCF-style: chr3-114069954-A-G.
Other names: c.971T>C, p.Val324Ala (NM_001164342.2, NM_001348803.3, NM_001393393.1 and 1 more transcripts); c.752T>C, p.Val251Ala (NM_001164343.2, NM_001164344.4, NM_001164345.4 and 9 more transcripts); short protein forms V324A, V251A.
Identifiers: ClinVar variation 2227698 (VCV002227698.5), dbSNP rs2080629778, ClinGen allele CA354012668.